The following is an entry in ClinVar:

ClinVar aggregate classification (germline): Uncertain significance. Review status: criteria provided, single submitter (1 of 4 stars). 2 submissions from 2 submitters: Uncertain significance (1). 1 of the submissions does not count toward it. Last evaluated 2025-04-20.

Conditions:
FAH-related disorder. Also called: FAH-related condition.
Tyrosinemia type I (TYRSN1). Also called: FAH DEFICIENCY; Tyrosinemia type 1; Fumarylacetoacetase deficiency; Deficiency of fumarylacetoacetase; HEPATORENAL TYROSINEMIA. Identifiers: Orphanet 882, MedGen C0268490, MONDO:0010161, OMIM 276700. Disease mechanism: loss of function.

Allele frequency attached by ClinVar (database versions not stated): gnomAD exomes below 0.00001 and 0.00001; TOPMed below 0.00001; ExAC 0.00001; ESP Exome Variant Server 0.00008.
gnomAD v4.1: 19 of 1,612,784 alleles (0.0012%); highest among the groups gnomAD compares: Non-Finnish European, 0.0015%; no homozygotes.

Submissions (2):

PreventionGenetics, part of Exact Sciences
Classification: Uncertain significance for FAH-related condition. Last evaluated: 2025-04-20. Review status: criteria provided, single submitter. Criteria: ACMG Guidelines, 2015. Collection method: clinical testing. Allele origin: germline.
Comment: The FAH c.452A>G variant is predicted to result in the amino acid substitution p.Asn151Ser. To our knowledge, this variant has not been reported in the literature. This variant is reported in 0.00088% of alleles in individuals of European (Non-Finnish) descent in gnomAD. At this time, the clinical significance of this variant is uncertain due to the absence of conclusive functional and genetic evidence.

Natera, Inc.
Classification: Uncertain significance for Tyrosinemia type I. Last evaluated: 2020-04-19. Review status: no assertion criteria provided. Collection method: clinical testing. Allele origin: germline. Not counted in ClinVar's aggregate classification.

NM_000137.4(FAH):c.452A>G (p.Asn151Ser)

Gene: FAH (fumarylacetoacetate hydrolase; plus strand). Cytogenetic location: 15q25.1.
Variant type: single nucleotide variant.
Coding change: c.452A>G on transcript NM_000137.4 (MANE Select); coding-DNA position 452, A replaced by G.
Protein change: p.Asn151Ser; replaces asparagine 151 with serine.
Molecular consequence: missense variant.
Genome position (GRCh38, 1-based): chr15:80,162,333, A>G. VCF-style: chr15-80162333-A-G. GRCh37 (hg19) VCF-style: chr15-80454675-A-G.
Other names: c.452A>G, p.Asn151Ser (NM_001374377.1, NM_001374380.1); c.452A>G (NM_000137.2); short protein forms N151S.
Identifiers: ClinVar variation 990300 (VCV000990300.2), dbSNP rs377283883, ClinGen allele CA7691161.